The following is an entry in ClinVar:

NM_001164508.2(NEB):c.717+13C>T

Gene: NEB (nebulin; minus strand). Cytogenetic location: 2q23.3.
Variant type: single nucleotide variant.
Coding change: c.717+13C>T on transcript NM_001164508.2 (MANE Select); 13 bases into the intron after coding-DNA position 717, C replaced by T.
Molecular consequence: intron variant.
Genome position (GRCh38, 1-based): chr2:151,723,369, G>A on the plus strand (C>T on the coding strand, the complement: NEB is on the minus strand). VCF-style: chr2-151723369-G-A. GRCh37 (hg19) VCF-style: chr2-152579883-G-A.
Other names: c.717+13C>T (NM_004543.5, NM_001164507.2, NM_001271208.2).
Identifiers: ClinVar variation 4855675 (VCV004855675.1).

ClinVar aggregate classification (germline): Uncertain significance (1 of 4 stars; one submission).

Conditions:
Nemaline myopathy 2 (NEM2). Also called: Nemaline myopathy 2, autosomal recessive. Identifiers: MedGen C1850569, MONDO:0009725, OMIM 256030.

Submission:

3billion
Classification: Uncertain significance for Nemaline myopathy 2. Last evaluated: 2025-09-10. Review status: criteria provided, single submitter. Criteria: ACMG Guidelines, 2015. Collection method: clinical testing. Allele origin: germline. Affected: yes.
Comment: The variant is not observed in the gnomAD v4.1.0 dataset. Predicted Consequence/Location: Intron variant In silico tools predict the variant to alter splicing and produce an abnormal transcript [SpliceAI: 0.96 (>=0.2, moderate evidence for spliceogenicity)]. Therefore, this variant is classified as VUS according to the recommendation of ACMG/AMP guideline.